The following continues an entry in ClinVar:

NM_018082.6(POLR3B):c.1568T>A (p.Val523Glu)

Gene: POLR3B. ClinVar aggregate classification (germline): Pathogenic/Likely pathogenic. Pathogenic (22); Likely pathogenic (4).

Submissions 12 to 25 of 35:

Genetic Services Laboratory, University of Chicago
Classification: Likely pathogenic. Last evaluated: 2023-12-29. Review status: criteria provided, single submitter. Criteria: ACMG Guidelines, 2015. Collection method: clinical testing. Allele origin: germline. Affected: yes.
Comment: DNA sequence analysis of the POLR3B gene demonstrated a sequence change, c.1568T>A, in exon 15 that results in an amino acid change, p.Val523Glu. The p.Val523Glu change affects a moderately conserved amino acid residue located in a domain of the POLR3B protein that is not known to be functional. In-silico pathogenicity prediction tools (SIFT, PolyPhen2, Align GVGD, REVEL) provide contradictory results for the p.Val523Glu substitution. This amino acid change has been previously described in the literature in the bi-allelic state in several individuals with POLR3B-related leukodystrophy (PMID: 22036172, 25339210, 23355746). This sequence change has been described in the gnomAD database with a frequency of 0.03% in the overall population (dbSNP rs138249161). The p.Val523Glu amino acid change occurs in a region of the POLR3B gene where other missense sequence changes have been described in individuals with autosomal recessive and autosomal dominant POLR3B-related disorders. These collective evidences indicate that this sequence change is likely pathogenic, however functional studies have not been performed to prove this conclusively.

Human Genetics Bochum, Ruhr University Bochum
Classification: Pathogenic for Charcot-Marie-Tooth disease, demyelinating, IIA 1I. Last evaluated: 2023-08-09. Review status: criteria provided, single submitter. Criteria: ACMG Guidelines, 2015. Collection method: clinical testing. Allele origin: germline. Affected: yes.
Comment: ACMG criteria used to clasify this variant:PS4, PM3, PM2_SUP, PP1, PP2, PP3

Greenwood Genetic Center Diagnostic Laboratories, Greenwood Genetic Center
Classification: Pathogenic for Leukodystrophy, hypomyelinating, 8, with or without oligodontia and/or hypogonadotropic hypogonadism. Last evaluated: 2023-08-02. Review status: criteria provided, single submitter. Criteria: ACMG Guidelines, 2015. Collection method: clinical testing. Allele origin: germline. Affected: yes.
Comment: PM2, PM3_Very Strong, PP2, PP3

Institute for Medical Genetics and Human Genetics, Charité - Universitätsmedizin Berlin
Classification: Pathogenic. Last evaluated: 2022-09-22. Review status: criteria provided, single submitter. Criteria: ACMG Guidelines, 2015. Collection method: clinical testing. Allele origin: germline. Inheritance: Autosomal recessive inheritance. Affected: yes. Observed: 1 compound heterozygote.

Baylor Genetics
Classification: Pathogenic for Leukodystrophy, hypomyelinating, 8, with or without oligodontia and/or hypogonadotropic hypogonadism. Last evaluated: 2022-03-21. Review status: criteria provided, single submitter. Criteria: ACMG Guidelines, 2015. Collection method: clinical testing. Allele origin: unknown.

Genetics and Molecular Pathology, SA Pathology
Classification: Pathogenic for Leukodystrophy, hypomyelinating, 8, with or without oligodontia and/or hypogonadotropic hypogonadism. Last evaluated: 2022-03-08. Review status: criteria provided, single submitter. Criteria: ACMG Guidelines, 2015. Collection method: clinical testing. Allele origin: germline. Affected: yes.
Comment: The POLR3B c.1568T>A variant is classified as Pathogenic (PS4, PM2, PM3_Strong, PP3) The POLR3B c.1568T>A variant is a single nucleotide change in exon 15/28 of the POLR3B gene, which is predicted to change the amino acid valine at position 523 in the protein to glutamic acid. The variant has been reported in probands with a clinical presentation of Leukodystrophy. POLR3B:c.1568T>A has been described in the scientific literature in multiple patients with diffuse gastric cancer (Tétreault, et al, 2011, PMID: 22036172; Daoud et al., 2013 PMID: 23355746) (PS4). The variant is rare in population databases (PM2).This variant has been reported as compound heterozygous with another pathogenic variant, (POLR3B:c.2084-6A>G: clinvar ID 419962, POLR3B):c.2570+1G>A: clinvar ID 620581) in multiple unrelated individuals with POLR3B related leukodystrophy (Wolf et al., 2014, PMID:25339210) (PM3_Strong)

Broad Center for Mendelian Genomics, Broad Institute of MIT and Harvard
Classification: Pathogenic for Leukodystrophy, hypomyelinating, 8, with or without oligodontia and/or hypogonadotropic hypogonadism. Last evaluated: 2022-02-24. Review status: criteria provided, single submitter. Criteria: ACMG Guidelines, 2015. Collection method: curation. Allele origin: germline. Inheritance: Autosomal recessive inheritance.
Comment: The p.Val523Glu variant in POLR3B has been reported in >10 individuals with 4H leukodystrophy (PMID: 22036172, 25339210, 23355746), segregated with disease in 4 affected relatives from 4 families (PMID: 25339210), and has been identified in 0.06% (78/128850) of European (non-Finnish) chromosomes by the Genome Aggregation Database (gnomAD; dbSNP ID: rs138249161). Although this variant has been seen in the general population in a heterozygous state, its frequency is not high enough to rule out a pathogenic role. This variant has also been reported in ClinVar (Variation ID#: 31166) and has been interpreted as pathogenic by multiple submitters. Of the many affected individuals, 1 of those were homozygote and 3 were compound heterozygotes that carried reported likely pathogenic variants in trans and with unknown phase, which increases the likelihood that the p.Val523Glu variant is pathogenic (VariationID: 1184082, 1184071, 31167; PMID: 22036172, 25339210, 23355746). Computational prediction tools and conservation analyses suggest that this variant may impact the protein, though this information is not predictive enough to determine pathogenicity. The number of missense variants reported in POLR3B in the general population is lower than expected, suggesting there is little benign variation in this gene and slightly increasing the possibility that a missense variant in this gene may not be tolerated. In summary, this variant meets criteria to be classified as pathogenic for autosomal recessive 4H leukodystrophy. ACMG/AMP Criteria applied: PP3, PP1_strong, PM3_strong, PP2 (Richards 2015).

Institute for Clinical Genetics, University Hospital TU Dresden, University Hospital TU Dresden
Classification: Likely pathogenic. Last evaluated: 2021-11-03. Review status: criteria provided, single submitter. Criteria: ACMG Guidelines, 2015. Collection method: clinical testing. Allele origin: germline.

Molecular Diagnostics Lab, Nemours Children's Health, Delaware
Classification: Likely pathogenic for Charcot-Marie-Tooth disease, demyelinating, IIA 1I. Last evaluated: 2020-12-21. Review status: criteria provided, single submitter. Criteria: ACMG Guidelines, 2015. Collection method: clinical testing. Allele origin: unknown. Inheritance: Autosomal recessive inheritance. Affected: yes. Observed: 10 compound heterozygotes. Clinical features observed: Cerebellar hypoplasia (HP:0006806), Cerebellar atrophy (HP:0001272), Ataxia (HP:0001251), Myopia (HP:0000545), Delayed eruption of permanent teeth (HP:0000696), Motor delay (HP:0001270), Cerebellar vermis hypoplasia (HP:0001320), Abnormality of the dentition (HP:0000164), Delayed speech and language development (HP:0000750), Abnormality of bone mineral density (HP:0004348), Oligodontia (HP:0000677), Spasticity (HP:0001257), and 6 more.
Comment: This missense variant (c.1568T>A, p.Val523Glu) has been observed at extremely low frequency in population databases (gnomAD). It has been reported in the literature and variant prediction programs suggest a deleterious effect, although no functional studies have been published (PMID 22036172, PMID 23355746). This change has been found in five unrelated individuals, each carrying another heterozygous variant that is either pathogenic or of uncertain significance. No parental studies were performed.

Institute of Medical Genetics and Applied Genomics, University Hospital Tübingen
Classification: Pathogenic. Last evaluated: 2020-10-23. Review status: criteria provided, single submitter. Criteria: ACMG Guidelines, 2015. Collection method: clinical testing. Allele origin: germline. Inheritance: Unknown mechanism. Affected: yes.

Laboratorio de Genetica e Diagnostico Molecular, Hospital Israelita Albert Einstein
Classification: Pathogenic. Last evaluated: 2020-10-06. Review status: criteria provided, single submitter. Criteria: ACMG Guidelines, 2015. Collection method: clinical testing. Allele origin: germline. Affected: yes.
Comment: ACMG classification criteria: PS4, PM3, PP3

Illumina Laboratory Services, Illumina
Classification: Pathogenic for Pol III-related leukodystrophy. Last evaluated: 2020-02-06. Review status: criteria provided, single submitter. Criteria: ICSLVariantClassificationCriteria RUGD 01 April 2020. Collection method: clinical testing. Allele origin: unknown.
Comment: The POLR3B c.1568T>A (p.Val523Glu) variant is a missense variant that has a well-documented association with Pol III-related leukodystrophy. Across a selection of the available literature, the p.Val523Glu variant has been reported in a compound heterozyous state in over 50 affected individuals (Daoud et al. 2013; Wolf et al. 2014; Battini et al. 2015). In multiple cases, the variant was confirmed to be in trans with a known pathogenic variant. The p.Val1523Glu variant has been linked to a common ancestral haplotype with an estimated carrier frequency of 0.5% and tends to be associated with a milder phenotype. The p.Val1523Glu variant is reported at a frequency of 0.000605 in the European (non-Finnish) population of the Genome Aggregation Database. Based on the collective evidence, the p.Val523Glu variant is classified as pathogenic for Pol III-related leukodystrophy.

Institute of Human Genetics, University of Leipzig Medical Center
Classification: Pathogenic for Leukodystrophy, hypomyelinating, 8, with or without oligodontia and/or hypogonadotropic hypogonadism. Last evaluated: 2019-01-01. Review status: criteria provided, single submitter. Criteria: ACMG Guidelines, 2015. Collection method: clinical testing. Allele origin: unknown. Affected: yes.
Comment: This variant was identified as compound heterozygous.

Fulgent Genetics
Classification: Pathogenic for Hypogonadotropic hypogonadism 7 with or without anosmia; Leukodystrophy, hypomyelinating, 7, with or without oligodontia and/or hypogonadotropic hypogonadism; Leukodystrophy, hypomyelinating, 8, with or without oligodontia and/or hypogonadotropic hypogonadism. Last evaluated: 2018-10-31. Review status: criteria provided, single submitter. Criteria: ACMG Guidelines, 2015. Collection method: clinical testing. Allele origin: unknown.